The following is an entry in ClinVar:

NM_000834.5(GRIN2B):c.1341C>T (p.Asp447=)

Gene: GRIN2B (glutamate ionotropic receptor NMDA type subunit 2B; minus strand). Cytogenetic location: 12p13.1.
Variant type: single nucleotide variant.
Coding change: c.1341C>T on transcript NM_000834.5 (MANE Select); coding-DNA position 1341, C replaced by T.
Protein change: p.Asp447=; no amino-acid change (aspartic acid 447 retained).
Molecular consequence: synonymous variant.
Genome position (GRCh38, 1-based): chr12:13,615,652, G>A on the plus strand (C>T on the coding strand, the complement: GRIN2B is on the minus strand). VCF-style: chr12-13615652-G-A. GRCh37 (hg19) VCF-style: chr12-13768586-G-A.
Other names: p.D447D:GAC>GAT.
Identifiers: ClinVar variation 98440 (VCV000098440.53), dbSNP rs35025065, ClinGen allele CA225831.

ClinVar aggregate classification (germline): Benign/Likely benign. Review status: criteria provided, multiple submitters, no conflicts (2 of 4 stars). 10 submissions from 10 submitters: Benign (7); Likely benign (1). 2 of the submissions do not count toward it. Last evaluated 2026-10-01.

Conditions:
GRIN2B-related disorder. Also called: GRIN2B-related condition.
Inborn genetic diseases. Identifiers: MedGen C0950123, MeSH D030342.
Intellectual developmental disorder, autosomal dominant 6, with or without seizures. Also called: Intellectual disability, autosomal dominant 6; GRIN2B-related developmental delay, intellectual disability and autism spectrum disorder. Identifiers: Orphanet 589547, MedGen C3151411, MONDO:0013509, OMIM 613970.
Developmental and epileptic encephalopathy, 27 (DEE27). Also called: Epileptic encephalopathy, early infantile, 27; GRIN2B-Related Neurodevelopmental Disorder. Identifiers: Orphanet 3451, MedGen C4015316, MONDO:0014505, OMIM 616139.

Allele frequency attached by ClinVar (database versions not stated): 1000 Genomes Project 0.00339; 1000 Genomes Project 30x 0.00406; gnomAD exomes 0.00654; ExAC 0.00669; TOPMed 0.00851; gnomAD 0.00859 and 0.00902; ESP Exome Variant Server 0.01138.
gnomAD v4.1: 14,366 of 1,612,414 alleles (0.89%); highest among the groups gnomAD compares: Non-Finnish European, 1%; 91 homozygotes.

Submissions (10):

CeGaT Center for Human Genetics Tuebingen
Classification: Benign. Last evaluated: 2026-10-01. Review status: criteria provided, single submitter. Criteria: CeGaT Center For Human Genetics Tuebingen Variant Classification Criteria Version 2. Collection method: clinical testing. Allele origin: germline. Affected: yes. Observed: 94 variant alleles.
Comment: GRIN2B: BP4, BP7, BS1, BS2

Labcorp Genetics (formerly Invitae), Labcorp
Classification: Benign for Developmental and epileptic encephalopathy, 27; Intellectual developmental disorder, autosomal dominant 6, with or without seizures. Last evaluated: 2026-01-31. Review status: criteria provided, single submitter. Criteria: Invitae Variant Classification Sherloc (09022015). Collection method: clinical testing. Allele origin: germline.

Blueprint Genetics
Classification: Likely benign. Last evaluated: 2024-11-25. Review status: criteria provided, single submitter. Criteria: ACMG Guidelines, 2015. Collection method: clinical testing. Allele origin: germline.

Athena Diagnostics
Classification: Benign. Last evaluated: 2017-06-22. Review status: criteria provided, single submitter. Criteria: Athena Diagnostics Criteria. Collection method: clinical testing. Allele origin: germline.

Ambry Genetics
Classification: Benign for Inborn genetic diseases. Last evaluated: 2016-02-24. Review status: criteria provided, single submitter. Criteria: Ambry Variant Classification Scheme 2023. Collection method: clinical testing. Allele origin: germline.

Genetic Services Laboratory, University of Chicago
Classification: Benign for AllHighlyPenetrant. Last evaluated: 2014-03-17. Review status: criteria provided, single submitter. Criteria: ACMG Guidelines, 2007. Collection method: clinical testing. Allele origin: germline. Inheritance: Autosomal dominant inheritance.

GeneDx
Classification: Benign. Last evaluated: 2014-02-13. Review status: criteria provided, single submitter. Criteria: GeneDx Variant Classification (06012015). Collection method: clinical testing. Allele origin: germline. Affected: yes.
Comment: This variant is considered likely benign or benign based on one or more of the following criteria: it is a conservative change, it occurs at a poorly conserved position in the protein, it is predicted to be benign by multiple in silico algorithms, and/or has population frequency not consistent with disease.

Breakthrough Genomics
Classification: Benign. Review status: criteria provided, single submitter. Criteria: ACMG Guidelines, 2015. Collection method: not provided. Allele origin: germline. Inheritance: Autosomal dominant inheritance. Affected: yes.

PreventionGenetics, part of Exact Sciences
Classification: Benign for GRIN2B-related condition. Last evaluated: 2019-05-16. Review status: no assertion criteria provided. Collection method: clinical testing. Allele origin: germline. Not counted in ClinVar's aggregate classification.
Comment: This variant is classified as benign based on ACMG/AMP sequence variant interpretation guidelines (Richards et al. 2015 PMID: 25741868, with internal and published modifications).

Psychiatry Genetics Yale University
No classification provided. Review status: no classification provided. Collection method: not provided. Allele origin: not provided. Not counted in ClinVar's aggregate classification.

Literature cited by the submitters: PubMed 23408766 (cited by Athena Diagnostics).